The following is an entry in ClinVar:

NM_032043.3(BRIP1):c.201T>C (p.Leu67=)

Gene: BRIP1 (BRCA1 interacting DNA helicase 1; minus strand). Cytogenetic location: 17q23.2.
Variant type: single nucleotide variant.
Coding change: c.201T>C on transcript NM_032043.3 (MANE Select); coding-DNA position 201, T replaced by C.
Protein change: p.Leu67=; no amino-acid change (leucine 67 retained).
Molecular consequence: synonymous variant.
Genome position (GRCh38, 1-based): chr17:61,859,800, A>G on the plus strand (T>C on the coding strand, the complement: BRIP1 is on the minus strand). VCF-style: chr17-61859800-A-G. GRCh37 (hg19) VCF-style: chr17-59937161-A-G.
Identifiers: ClinVar variation 820544 (VCV000820544.15), dbSNP rs763819127, ClinGen allele CA8690980.

ClinVar aggregate classification (germline): Benign/Likely benign. Review status: criteria provided, multiple submitters, no conflicts (2 of 4 stars). 3 submissions from 3 submitters: Benign (1); Likely benign (2). Last evaluated 2024-08-09.

Conditions:
Familial cancer of breast. Also called: Hereditary breast cancer; hereditary breast carcinoma; BREAST CANCER, FAMILIAL. Identifiers: Orphanet 227535, MedGen C0346153, MONDO:0016419, OMIM 114480. Disease mechanism: loss of function.
Fanconi anemia complementation group J. Also called: BRIP1-Related Fanconi Anemia. Identifiers: Orphanet 84, MedGen C1836860, MONDO:0012187, OMIM 609054.
Hereditary cancer-predisposing syndrome. Also called: Hereditary Cancer Syndrome; Neoplastic Syndromes, Hereditary; Hereditary neoplastic syndrome; Tumor predisposition. Identifiers: Orphanet 140162, MedGen C0027672, MeSH D009386, MONDO:0015356.

Allele frequency attached by ClinVar (database versions not stated): gnomAD exomes below 0.00001; ExAC 0.00001.
gnomAD v4.1: 1 of 1,605,218 alleles (0.000062%); no homozygotes.

Submissions (3):

Myriad Genetics, Inc.
Classification: Benign for Familial cancer of breast. Last evaluated: 2024-08-09. Review status: criteria provided, single submitter. Criteria: Myriad Autosomal Dominant, Autosomal Recessive and X-Linked Classification Criteria (2023). Collection method: clinical testing. Allele origin: unknown.
Comment: This variant is considered benign. This variant is a silent/synonymous amino acid change and it is not expected to impact splicing.

Labcorp Genetics (formerly Invitae), Labcorp
Classification: Likely benign for Familial cancer of breast; Fanconi anemia complementation group J. Last evaluated: 2022-08-16. Review status: criteria provided, single submitter. Criteria: Invitae Variant Classification Sherloc (09022015). Collection method: clinical testing. Allele origin: germline.

Ambry Genetics
Classification: Likely benign for Hereditary cancer-predisposing syndrome. Last evaluated: 2019-03-11. Review status: criteria provided, single submitter. Criteria: Ambry Variant Classification Scheme 2023. Collection method: clinical testing. Allele origin: germline.